The following is an entry in ClinVar:

NM_005228.5(EGFR):c.2690T>C (p.Val897Ala)

Gene: EGFR (epidermal growth factor receptor; plus strand). Cytogenetic location: 7p11.2.
Variant type: single nucleotide variant.
Coding change: c.2690T>C on transcript NM_005228.5 (MANE Select); coding-DNA position 2690, T replaced by C.
Protein change: p.Val897Ala; replaces valine 897 with alanine.
Molecular consequence: missense variant.
Genome position (GRCh38, 1-based): chr7:55,192,830, T>C. VCF-style: chr7-55192830-T-C. GRCh37 (hg19) VCF-style: chr7-55260523-T-C.
Other names: c.2555T>C, p.Val852Ala (NM_001346897.2, NM_001346899.2); c.2690T>C, p.Val897Ala (NM_001346898.2); c.2531T>C, p.Val844Ala (NM_001346900.2); c.1889T>C, p.Val630Ala (NM_001346941.2); short protein forms V630A, V852A, V897A, V844A.
Identifiers: ClinVar variation 956415 (VCV000956415.12), dbSNP rs1334821010, ClinGen allele CA367580970.
Genomic context (GRCh38, chr7:55,192,830, plus strand): 5'-CTATCAAGTGGATGGCATTGGAATCAATTTTACACAGAATCTATACCCACCAGAGTGATG[T>C]CTGGAGCTACGGTGAGTCATAATCCTGATGCTAATGAGTTTGTACTGAGGCCAAGCTGGC-3'
Protein context (NP_005219.2, residues 887-907): LHRIYTHQSD[Val897Ala]WSYGVTVWEL

ClinVar aggregate classification (germline): Uncertain significance. Review status: criteria provided, multiple submitters, no conflicts (2 of 4 stars). 3 submissions from 3 submitters: Uncertain significance (3). Last evaluated 2024-12-26.

Conditions:
Lung cancer. Also called: Lung cancer, somatic; Malignant tumor of lung. Identifiers: MedGen C0242379, MONDO:0008903, OMIM 211980.
Inflammatory skin and bowel disease, neonatal, 2 (NNCIS). Identifiers: Orphanet 294023, MedGen C4015130, MONDO:0014481, OMIM 616069.
EGFR-related lung cancer (EGFR). Identifiers: MedGen CN130014.
Hereditary cancer-predisposing syndrome. Also called: Neoplastic Syndromes, Hereditary; Tumor predisposition; Hereditary neoplastic syndrome; Hereditary Cancer Syndrome. Identifiers: Orphanet 140162, MedGen C0027672, MeSH D009386, MONDO:0015356.

Allele frequency attached by ClinVar (database versions not stated): gnomAD 0.00001; gnomAD exomes 0.00001; TOPMed 0.00002.
gnomAD v4.1: 11 of 1,614,098 alleles (0.00068%); highest among the groups gnomAD compares: East Asian, 0.0067%; no homozygotes.

Submissions (3):

Ambry Genetics
Classification: Uncertain significance for Hereditary cancer-predisposing syndrome. Last evaluated: 2024-12-26. Review status: criteria provided, single submitter. Criteria: Ambry Variant Classification Scheme 2023. Collection method: clinical testing. Allele origin: germline.
Comment: The p.V897A variant (also known as c.2690T>C), located in coding exon 22 of the EGFR gene, results from a T to C substitution at nucleotide position 2690. The valine at codon 897 is replaced by alanine, an amino acid with similar properties. This amino acid position is highly conserved in available vertebrate species. In addition, this alteration is predicted to be deleterious by in silico analysis. Based on the available evidence, the clinical significance of this variant remains unclear.

Labcorp Genetics (formerly Invitae), Labcorp
Classification: Uncertain significance for EGFR-related lung cancer. Last evaluated: 2024-11-05. Review status: criteria provided, single submitter. Criteria: Invitae Variant Classification Sherloc (09022015). Collection method: clinical testing. Allele origin: germline.
Comment: This sequence change replaces valine, which is neutral and non-polar, with alanine, which is neutral and non-polar, at codon 897 of the EGFR protein (p.Val897Ala). This variant is not present in population databases (gnomAD no frequency). This variant has not been reported in the literature in individuals affected with EGFR-related conditions. ClinVar contains an entry for this variant (Variation ID: 956415). Invitae Evidence Modeling of protein sequence and biophysical properties (such as structural, functional, and spatial information, amino acid conservation, physicochemical variation, residue mobility, and thermodynamic stability) indicates that this missense variant is expected to disrupt EGFR protein function with a positive predictive value of 80%. In summary, the available evidence is currently insufficient to determine the role of this variant in disease. Therefore, it has been classified as a Variant of Uncertain Significance.

Juno Genomics, Hangzhou Juno Genomics, Inc
Classification: Uncertain significance for Inflammatory skin and bowel disease, neonatal, 2; Lung cancer. Review status: criteria provided, single submitter. Criteria: ACMG Guidelines, 2015. Collection method: clinical testing. Allele origin: germline.
Comment: Absent from controls (or at extremely low frequency if recessive) in Genome Aggregation Database.;Multiple lines of computational evidence support a deleterious effect on the gene or gene product.

Literature cited by the submitters: PubMed 32190291 (cited by Ambry Genetics); PubMed 33898318 (cited by Ambry Genetics).